The following is an entry in ClinVar:

ClinVar aggregate classification (germline): Uncertain significance. Review status: criteria provided, multiple submitters, no conflicts (2 of 4 stars). 3 submissions from 3 submitters: Uncertain significance (3). Last evaluated 2026-09-02.

Conditions:
Inborn genetic diseases. Identifiers: MedGen C0950123, MeSH D030342.

Allele frequency attached by ClinVar (database versions not stated): gnomAD 0.00001; TOPMed 0.00004.
gnomAD v4.1: 5 of 1,614,084 alleles (0.00031%); highest among the groups gnomAD compares: Admixed American, 0.005%; no homozygotes.

Submissions (3):

Ambry Genetics
Classification: Uncertain significance for Inborn genetic diseases. Last evaluated: 2026-09-02. Review status: criteria provided, single submitter. Criteria: Ambry Variant Classification Scheme 2023. Collection method: clinical testing. Allele origin: germline.

Labcorp Genetics (formerly Invitae), Labcorp
Classification: Uncertain significance. Last evaluated: 2023-12-13. Review status: criteria provided, single submitter. Criteria: Invitae Variant Classification Sherloc (09022015). Collection method: clinical testing. Allele origin: germline.
Comment: This sequence change replaces aspartic acid, which is acidic and polar, with glutamic acid, which is acidic and polar, at codon 367 of the WFS1 protein (p.Asp367Glu). This variant is not present in population databases (gnomAD no frequency). This variant has not been reported in the literature in individuals affected with WFS1-related conditions. Advanced modeling of protein sequence and biophysical properties (such as structural, functional, and spatial information, amino acid conservation, physicochemical variation, residue mobility, and thermodynamic stability) performed at Invitae indicates that this missense variant is not expected to disrupt WFS1 protein function with a negative predictive value of 95%. In summary, the available evidence is currently insufficient to determine the role of this variant in disease. Therefore, it has been classified as a Variant of Uncertain Significance.

GeneDx
Classification: Uncertain significance. Last evaluated: 2023-06-16. Review status: criteria provided, single submitter. Criteria: GeneDx Variant Classification Process June 2021. Collection method: clinical testing. Allele origin: germline. Affected: yes.
Comment: Not observed at significant frequency in large population cohorts (gnomAD); In silico analysis supports that this missense variant does not alter protein structure/function; Has not been previously published as pathogenic or benign to our knowledge

NM_006005.3(WFS1):c.1101C>G (p.Asp367Glu)

Gene: WFS1 (wolframin ER transmembrane glycoprotein; plus strand). Cytogenetic location: 4p16.1.
Variant type: single nucleotide variant.
Coding change: c.1101C>G on transcript NM_006005.3 (MANE Select); coding-DNA position 1101, C replaced by G.
Protein change: p.Asp367Glu; replaces aspartic acid 367 with glutamic acid.
Molecular consequence: missense variant.
Genome position (GRCh38, 1-based): chr4:6,300,896, C>G. VCF-style: chr4-6300896-C-G. GRCh37 (hg19) VCF-style: chr4-6302623-C-G.
Other names: c.1101C>G, p.Asp367Glu (NM_001145853.1); short protein forms D367E.
Identifiers: ClinVar variation 2883088 (VCV002883088.6), dbSNP rs1730863072, ClinGen allele CA356174257.